The following is an entry in ClinVar:

ClinVar aggregate classification (germline): Conflicting classifications of pathogenicity. Review status: criteria provided, conflicting classifications (1 of 4 stars). 2 submissions from 2 submitters: Uncertain significance (1); Likely benign (1). Last evaluated 2024-07-24.

Conditions:
Alstrom syndrome (ALMS). Identifiers: Orphanet 64, MedGen C0268425, MONDO:0008763, OMIM 203800.

Submissions (2):

GeneDx
Classification: Uncertain significance. Last evaluated: 2024-07-24. Review status: criteria provided, single submitter. Criteria: GeneDx Variant Classification Process June 2021. Collection method: clinical testing. Allele origin: germline. Affected: yes.
Comment: Not observed at significant frequency in large population cohorts (gnomAD); In silico analysis indicates that this variant does not alter splicing; Has not been previously published as pathogenic or benign to our knowledge

Labcorp Genetics (formerly Invitae), Labcorp
Classification: Likely benign for Alstrom syndrome. Last evaluated: 2022-09-05. Review status: criteria provided, single submitter. Criteria: Invitae Variant Classification Sherloc (09022015). Collection method: clinical testing. Allele origin: germline.

NM_001378454.1(ALMS1):c.2217T>G (p.Thr739=)

Gene: ALMS1 (ALMS1 centrosome and basal body associated protein; plus strand). Cytogenetic location: 2p13.1.
Variant type: single nucleotide variant.
Coding change: c.2217T>G on transcript NM_001378454.1 (MANE Select); coding-DNA position 2217, T replaced by G.
Protein change: p.Thr739=; no amino-acid change (threonine 739 retained).
Molecular consequence: synonymous variant.
Genome position (GRCh38, 1-based): chr2:73,448,744, T>G. VCF-style: chr2-73448744-T-G. GRCh37 (hg19) VCF-style: chr2-73675871-T-G.
Other names: c.2220T>G, p.Thr740= (NM_015120.4).
Identifiers: ClinVar variation 1093119 (VCV001093119.10), dbSNP rs2103774244, ClinGen allele CA427019470.